The following is an entry in ClinVar:

NM_006915.3(RP2):c.917G>A (p.Gly306Asp)

Gene: RP2 (RP2 activator of ARL3 GTPase; plus strand). Cytogenetic location: Xp11.3.
Variant type: single nucleotide variant.
Coding change: c.917G>A on transcript NM_006915.3 (MANE Select); coding-DNA position 917, G replaced by A.
Protein change: p.Gly306Asp; replaces glycine 306 with aspartic acid.
Molecular consequence: missense variant.
Genome position (GRCh38, 1-based): chrX:46,877,538, G>A. VCF-style: chrX-46877538-G-A. GRCh37 (hg19) VCF-style: chrX-46736973-G-A.
Other names: short protein forms G306D.
Identifiers: ClinVar variation 1976164 (VCV001976164.5), dbSNP rs1556327853, ClinGen allele CA413036224.

ClinVar aggregate classification (germline): Uncertain significance (1 of 4 stars; one submission).

Allele frequency attached by ClinVar (database versions not stated): gnomAD 0.00001.

Submission:

Labcorp Genetics (formerly Invitae), Labcorp
Classification: Uncertain significance. Last evaluated: 2022-04-12. Review status: criteria provided, single submitter. Criteria: Invitae Variant Classification Sherloc (09022015). Collection method: clinical testing. Allele origin: germline.
Comment: In summary, the available evidence is currently insufficient to determine the role of this variant in disease. Therefore, it has been classified as a Variant of Uncertain Significance. This sequence change replaces glycine, which is neutral and non-polar, with aspartic acid, which is acidic and polar, at codon 306 of the RP2 protein (p.Gly306Asp). This variant is present in population databases (no rsID available, gnomAD 0.002%). This variant has not been reported in the literature in individuals affected with RP2-related conditions. Algorithms developed to predict the effect of missense changes on protein structure and function output the following: SIFT: "Tolerated"; PolyPhen-2: "Benign"; Align-GVGD: "Class C0". The aspartic acid amino acid residue is found in multiple mammalian species, which suggests that this missense change does not adversely affect protein function.